The following is an entry in ClinVar:

ClinVar aggregate classification (germline): Likely pathogenic. Review status: criteria provided, single submitter (1 of 4 stars). 2 submissions from 2 submitters: Likely pathogenic (1). 1 of the submissions does not count toward it. Last evaluated 2023-05-12.

Conditions:
Respiratory infections, recurrent, and failure to thrive with or without diarrhea (RIFTD). Identifiers: MedGen C5774306, MONDO:0859370, OMIM 620233.
AGR2-related disorder. Also called: AGR2-related condition.

gnomAD v4.1: 35 of 1,612,834 alleles (0.0022%); highest among the groups gnomAD compares: Non-Finnish European, 0.003%; no homozygotes.

Submissions (2):

Genetics and Molecular Pathology, SA Pathology
Classification: Likely pathogenic for Respiratory infections, recurrent, and failure to thrive with or without diarrhea. Last evaluated: 2023-05-12. Review status: criteria provided, single submitter. Criteria: ACMG Guidelines, 2015. Collection method: clinical testing. Allele origin: germline. Inheritance: Autosomal recessive inheritance. Affected: yes.
Comment: The AGR2 c.256+2T>C variant is classified as Likely Pathogenic (PVS1, PM2) The AGR2 c.256+2T>C variant is located in the exon 4 splice donor region. Computational predictions support a deleterious effect on splicing and a likely disruption of the protein reading frame (PVS1). The variant is rare in population databases (gnomAD allele frequency = 0.00065%; 1 het and 0 hom in 152,264 sequenced alleles) (PM2). The variant has been reported in dbSNP (rs753915618). It has not been reported in ClinVar, HGMD or the scientific literature to date.

PreventionGenetics, part of Exact Sciences
Classification: Uncertain significance for AGR2-related condition. Last evaluated: 2024-02-16. Review status: no assertion criteria provided. Collection method: clinical testing. Allele origin: germline. Not counted in ClinVar's aggregate classification.
Comment: The AGR2 c.256+2T>C variant is predicted to disrupt the GT donor site and interfere with normal splicing. To our knowledge, this variant has not been reported in the literature This variant is reported in 0.0018% of alleles in individuals of European (Non-Finnish) descent in gnomAD. At this time, the clinical significance of this variant is uncertain due to the absence of conclusive functional and genetic evidence.

NM_006408.4(AGR2):c.256+2T>C

Gene: AGR2 (anterior gradient 2, protein disulphide isomerase family member; minus strand). Cytogenetic location: 7p21.1.
Variant type: single nucleotide variant.
Coding change: c.256+2T>C on transcript NM_006408.4 (MANE Select); the canonical splice donor site of the intron after coding-DNA position 256, T replaced by C.
Molecular consequence: splice donor variant.
Genome position (GRCh38, 1-based): chr7:16,801,149, A>G on the plus strand (T>C on the coding strand, the complement: AGR2 is on the minus strand). VCF-style: chr7-16801149-A-G. GRCh37 (hg19) VCF-style: chr7-16840773-A-G.
Other names: c.256+2T>C (NM_006408.3).
Identifiers: ClinVar variation 2664703 (VCV002664703.3), dbSNP rs753915618, ClinGen allele CA366889683.
Genomic context (GRCh38, chr7:16,801,149, plus strand): 5'-CTGAACCCTGGCCCTAAGGCTAAAAGCCTATAAAGGAAATCATACTTAGAAGAATAAATT[A>G]CCTTGACTGTGTGGGCACTCATCCAAGTGATGAATAATCATCAAGGGTTTGTTGCTTTAA-3'